The following is an entry in ClinVar:

ClinVar aggregate classification (germline): Uncertain significance (1 of 4 stars; one submission).

Conditions:
Primary ciliary dyskinesia. Also called: Ciliary dyskinesia. Identifiers: Orphanet 244, MedGen C0008780, MONDO:0016575, HP:0012265.

Allele frequency attached by ClinVar (database versions not stated): gnomAD exomes below 0.00001; TOPMed below 0.00001; gnomAD 0.00001.
gnomAD v4.1: 4 of 1,614,002 alleles (0.00025%); highest among the groups gnomAD compares: Non-Finnish European, 0.00025%; no homozygotes.

Submission:

Labcorp Genetics (formerly Invitae), Labcorp
Classification: Uncertain significance for Primary ciliary dyskinesia. Last evaluated: 2021-09-01. Review status: criteria provided, single submitter. Criteria: Invitae Variant Classification Sherloc (09022015). Collection method: clinical testing. Allele origin: germline.
Comment: This sequence change replaces methionine with isoleucine at codon 261 of the DNAI1 protein (p.Met261Ile). The methionine residue is moderately conserved and there is a small physicochemical difference between methionine and isoleucine. This variant is not present in population databases (ExAC no frequency). This variant has not been reported in the literature in individuals affected with DNAI1-related conditions. Algorithms developed to predict the effect of missense changes on protein structure and function output the following: SIFT: "Tolerated"; PolyPhen-2: "Benign"; Align-GVGD: "Class C0". The isoleucine amino acid residue is found in multiple mammalian species, which suggests that this missense change does not adversely affect protein function. In summary, the available evidence is currently insufficient to determine the role of this variant in disease. Therefore, it has been classified as a Variant of Uncertain Significance.

NM_012144.4(DNAI1):c.783G>A (p.Met261Ile)

Gene: DNAI1 (dynein axonemal intermediate chain 1; plus strand). Cytogenetic location: 9p13.3.
Variant type: single nucleotide variant.
Coding change: c.783G>A on transcript NM_012144.4 (MANE Select); coding-DNA position 783, G replaced by A.
Protein change: p.Met261Ile; replaces methionine 261 with isoleucine.
Molecular consequence: missense variant.
Genome position (GRCh38, 1-based): chr9:34,493,295, G>A. VCF-style: chr9-34493295-G-A. GRCh37 (hg19) VCF-style: chr9-34493293-G-A.
Other names: c.795G>A, p.Met265Ile (NM_001281428.2); short protein forms M261I, M265I.
Identifiers: ClinVar variation 837977 (VCV000837977.6), dbSNP rs1299113119, ClinGen allele CA373249368.